The following is an entry in ClinVar:

NM_000465.4(BARD1):c.1131G>C (p.Gly377=)

Gene: BARD1 (BRCA1 associated RING domain 1; minus strand). Cytogenetic location: 2q35.
Variant type: single nucleotide variant.
Coding change: c.1131G>C on transcript NM_000465.4 (MANE Select); coding-DNA position 1131, G replaced by C.
Protein change: p.Gly377=; no amino-acid change (glycine 377 retained).
Molecular consequence: synonymous variant. On other transcripts: intron variant (3), non-coding transcript variant (2).
Genome position (GRCh38, 1-based): chr2:214,780,743, C>G on the plus strand (G>C on the coding strand, the complement: BARD1 is on the minus strand). VCF-style: chr2-214780743-C-G. GRCh37 (hg19) VCF-style: chr2-215645467-C-G.
Other names: c.364+11554G>C (NM_001282549.2); c.1074G>C, p.Gly358= (NM_001282543.2); c.159-28188G>C (NM_001282548.2); c.215+16318G>C (NM_001282545.2).
Identifiers: ClinVar variation 2450487 (VCV002450487.6), dbSNP rs1574817193, ClinGen allele CA431391958.

ClinVar aggregate classification (germline): Benign/Likely benign. Review status: criteria provided, multiple submitters, no conflicts (2 of 4 stars). 3 submissions from 3 submitters: Benign (1); Likely benign (2). Last evaluated 2024-07-24.

Conditions:
Familial cancer of breast. Also called: BREAST CANCER, FAMILIAL; Hereditary breast cancer; hereditary breast carcinoma. Identifiers: Orphanet 227535, MedGen C0346153, MONDO:0016419, OMIM 114480. Disease mechanism: loss of function.
Hereditary cancer-predisposing syndrome. Also called: Neoplastic Syndromes, Hereditary; Tumor predisposition; Hereditary neoplastic syndrome; Hereditary Cancer Syndrome. Identifiers: Orphanet 140162, MedGen C0027672, MeSH D009386, MONDO:0015356.

Submissions (3):

Myriad Genetics, Inc.
Classification: Benign for Familial cancer of breast. Last evaluated: 2024-07-24. Review status: criteria provided, single submitter. Criteria: Myriad Autosomal Dominant, Autosomal Recessive and X-Linked Classification Criteria (2023). Collection method: clinical testing. Allele origin: unknown.
Comment: This variant is considered benign. This variant is a silent/synonymous amino acid change and it is not expected to impact splicing.

Labcorp Genetics (formerly Invitae), Labcorp
Classification: Likely benign for Familial cancer of breast. Last evaluated: 2023-07-17. Review status: criteria provided, single submitter. Criteria: Invitae Variant Classification Sherloc (09022015). Collection method: clinical testing. Allele origin: germline.

Ambry Genetics
Classification: Likely benign for Hereditary cancer-predisposing syndrome. Last evaluated: 2023-03-14. Review status: criteria provided, single submitter. Criteria: Ambry Variant Classification Scheme 2023. Collection method: clinical testing. Allele origin: germline.